The following is an entry in ClinVar:

ClinVar aggregate classification (germline): Benign (1 of 4 stars; one submission).

Conditions:
Argininosuccinate lyase deficiency. Also called: ARGININOSUCCINIC ACID LYASE DEFICIENCY; ASL DEFICIENCY; Argininosuccinic aciduria. Identifiers: Orphanet 23, MedGen C0268547, MONDO:0008815, OMIM 207900, HP:0025630.

Allele frequency attached by ClinVar (database versions not stated): gnomAD 0.00001 and 0.00009; TOPMed 0.00002; gnomAD exomes 0.00003 and 0.00024; ExAC 0.00004; 1000 Genomes Project 30x 0.00047; 1000 Genomes Project 0.00060.
gnomAD v4.1: 351 of 1,607,194 alleles (0.022%); highest among the groups gnomAD compares: East Asian, 0.78%; 4 homozygotes.

Submission:

Illumina Laboratory Services, Illumina
Classification: Benign for Argininosuccinate lyase deficiency. Last evaluated: 2017-06-14. Review status: criteria provided, single submitter. Criteria: ICSL Variant Classification Criteria 13 December 2019. Collection method: clinical testing. Allele origin: germline.
Comment: This variant was observed as part of a predisposition screen in an ostensibly healthy population. A literature search was performed for the gene, cDNA change, and amino acid change (where applicable). Publications were found based on this search. The evidence from the literature, in combination with allele frequency data from public databases where available, was sufficient to rule this variant out of causing disease. Therefore, this variant is classified as benign.

Literature cited by the submitters: PubMed 24166829.

NM_000048.4(ASL):c.1388A>G (p.Gln463Arg)

Gene: ASL (argininosuccinate lyase; plus strand). Cytogenetic location: 7q11.21.
Variant type: single nucleotide variant.
Coding change: c.1388A>G on transcript NM_000048.4 (MANE Select); coding-DNA position 1388, A replaced by G.
Protein change: p.Gln463Arg; replaces glutamine 463 with arginine.
Molecular consequence: missense variant.
Genome position (GRCh38, 1-based): chr7:66,092,905, A>G. VCF-style: chr7-66092905-A-G. GRCh37 (hg19) VCF-style: chr7-65557892-A-G.
Other names: c.1388A>G, p.Gln463Arg (NM_001024943.2); c.1328A>G, p.Gln443Arg (NM_001024944.2); c.1310A>G, p.Gln437Arg (NM_001024946.2); short protein forms Q463R, Q437R, Q443R.
Identifiers: ClinVar variation 911865 (VCV000911865.4), dbSNP rs200363489, ClinGen allele CA4277409.